The following is an entry in ClinVar:

ClinVar aggregate classification (germline): Uncertain significance (1 of 4 stars; one submission).

Conditions:
Progressive myoclonic epilepsy type 7. Identifiers: Orphanet 435438, MedGen C4015420, MONDO:0014521, OMIM 616187.

Allele frequency attached by ClinVar (database versions not stated): gnomAD exomes below 0.00001; TOPMed below 0.00001; gnomAD 0.00001.
gnomAD v4.1: 2 of 1,614,064 alleles (0.00012%); highest among the groups gnomAD compares: Non-Finnish European, 0.00017%; no homozygotes.

Submission:

Labcorp Genetics (formerly Invitae), Labcorp
Classification: Uncertain significance for Progressive myoclonic epilepsy type 7. Last evaluated: 2021-02-19. Review status: criteria provided, single submitter. Criteria: Invitae Variant Classification Sherloc (09022015). Collection method: clinical testing. Allele origin: germline.
Comment: In summary, the available evidence is currently insufficient to determine the role of this variant in disease. Therefore, it has been classified as a Variant of Uncertain Significance. Advanced modeling of protein sequence and biophysical properties (such as structural, functional, and spatial information, amino acid conservation, physicochemical variation, residue mobility, and thermodynamic stability) performed at Invitae indicates that this missense variant is not expected to disrupt KCNC1 protein function. This variant has been observed in individual(s) with clinical features of KCNC1-related conditions (Invitae). This variant is not present in population databases (ExAC no frequency). This sequence change replaces histidine with arginine at codon 480 of the KCNC1 protein (p.His480Arg). The histidine residue is highly conserved and there is a small physicochemical difference between histidine and arginine.

NM_001112741.2(KCNC1):c.1439A>G (p.His480Arg)

Gene: KCNC1 (potassium voltage-gated channel subfamily C member 1; plus strand). Cytogenetic location: 11p15.1.
Variant type: single nucleotide variant.
Coding change: c.1439A>G on transcript NM_001112741.2 (MANE Select); coding-DNA position 1439, A replaced by G.
Protein change: p.His480Arg; replaces histidine 480 with arginine.
Molecular consequence: missense variant.
Genome position (GRCh38, 1-based): chr11:17,772,533, A>G. VCF-style: chr11-17772533-A-G. GRCh37 (hg19) VCF-style: chr11-17794080-A-G.
Other names: c.1439A>G, p.His480Arg (NM_004976.4); short protein forms H480R.
Identifiers: ClinVar variation 1482596 (VCV001482596.8), dbSNP rs1409273169, ClinGen allele CA379810161.
Genomic context (GRCh38, chr11:17,772,533, plus strand): 5'-TTCCGCGGCCACCGCAGCTGGGATCTCCCAATTATTGTAAATCTGTCGTAAACTCTCCAC[A>G]CCACAGTACTCAGAGTGACACATGTCCGCTGGCCCAGGAAGAAATTTTAGAAATTAACAG-3'
Protein context (NP_001106212.1, residues 470-490): NYCKSVVNSP[His480Arg]HSTQSDTCPL